The following continues an entry in ClinVar:

NM_000257.4(MYH7):c.4717G>A (p.Glu1573Lys)

ClinVar aggregate classification (germline): Uncertain significance. Uncertain significance (11).

Submissions 8 to 14 of 14:

Color Diagnostics, LLC DBA Color Health
Classification: Uncertain significance for Cardiomyopathy. Last evaluated: 2024-02-22. Review status: criteria provided, single submitter. Criteria: ACMG Guidelines, 2015. Collection method: clinical testing. Allele origin: germline.
Comment: This missense variant replaces glutamic acid with lysine at codon 1573 of the MYH7 protein. Computational prediction tools indicate that this variant has a deleterious impact on protein structure and function. To our knowledge, functional studies have not been reported for this variant. This variant has been reported in one individual affected with dilated cardiomyopathy (PMID: 32880476) and in one individual affected with left ventricular non-compaction (PMID: 28798025). This variant has also been reported in one individual affected with Ebstein anomaly and perimembranous ventricular septal defect, as well as in one unaffected parent (PMID: 21127202). This variant has been identified in 15/251370 chromosomes in the general population by the Genome Aggregation Database (gnomAD). The available evidence is insufficient to determine the role of this variant in disease conclusively. Therefore, this variant is classified as a Variant of Uncertain Significance.

Blueprint Genetics
Classification: Uncertain significance. Last evaluated: 2022-12-14. Review status: criteria provided, single submitter. Criteria: ACMG Guidelines, 2015. Collection method: clinical testing. Allele origin: germline.

Victorian Clinical Genetics Services, Murdoch Childrens Research Institute
Classification: Uncertain significance for Dilated cardiomyopathy 1S. Last evaluated: 2022-02-02. Review status: criteria provided, single submitter. Criteria: ACMG Guidelines, 2015. Collection method: clinical testing. Allele origin: germline. Inheritance: Autosomal dominant inheritance. Affected: yes.
Comment: Based on the classification scheme VCGS_Germline_v1.3.4, this variant is classified as VUS-3B. Following criteria are met: 0105 - The mechanism of disease for this gene is not clearly established, however, missense variants have been proposed to act in a dominant negative manner (PMID: 24714796). (I) 0108 - This gene is associated with both recessive and dominant disease. Pathogenic variants in this gene are usually heterozygous, however a recessive inheritance pattern has been observed in severe cases (OMIM). (I) 0112 - The condition associated with this gene has incomplete penetrance (PMID: 29300372). (I) 0200 - Variant is predicted to result in a missense amino acid change from glutamic acid to lysine. (I) 0251 - This variant is heterozygous. (I) 0302 - Variant is present in gnomAD (v2) <0.001 for a dominant condition (15 heterozygotes, 0 homozygotes). (SP) 0502 - Missense variant with conflicting in silico predictions and uninformative conservation. (I) 0600 - Variant is located in the annotated part of skip three of the light meromyosin region (PMID: 26150528). (I) 0705 - No comparable missense variants have previous evidence for pathogenicity. (I) 0809 - Previous evidence of pathogenicity for this variant is inconclusive. This variant has been reported multiple times as a VUS and has been observed in individuals with hypertrophic cardiomyopathy, left ventricular non-compaction cardiomyopathy, and dilated cardiomyopathy (ClinVar, PMID: 30847666, PMID: 28798025, PMID: 21127202, VCGS). Additionally, this variant was identified in a HCM proband referred for genetic testing at GeneDx who had an additional pathogenic variant that may explain their phenotype (ClinVar). (I) 1007 - No published functional evidence has been identified for this variant. (I) 1208 - Inheritance information for this variant is not currently available in this individual. (I) Legend: (SP) - Supporting pathogenic, (I) - Information, (SB) - Supporting benign

Laboratory for Molecular Medicine, Mass General Brigham Personalized Medicine
Classification: Uncertain significance. Last evaluated: 2016-07-26. Review status: criteria provided, single submitter. Criteria: LMM Criteria. Collection method: clinical testing. Allele origin: germline.
Comment: Variant identified in a genome or exome case(s) and assessed due to predicted null impact of the variant or pathogenic assertions in the literature or databases. Disclaimer: This variant has not undergone full assessment. ClinVar: VUS for first degree atrioventricular block

Clinical Genetics, Academic Medical Center
Classification: Uncertain significance. Review status: no assertion criteria provided. Collection method: clinical testing. Allele origin: germline. Affected: yes. Study: VKGL Data-share Consensus. Not counted in ClinVar's aggregate classification.

Diagnostic Laboratory, Department of Genetics, University Medical Center Groningen
Classification: Uncertain significance. Review status: no assertion criteria provided. Collection method: clinical testing. Allele origin: germline. Affected: yes. Study: VKGL Data-share Consensus. Not counted in ClinVar's aggregate classification.

Joint Genome Diagnostic Labs from Nijmegen and Maastricht, Radboudumc and MUMC+
Classification: Uncertain significance. Review status: no assertion criteria provided. Collection method: clinical testing. Allele origin: germline. Affected: yes. Study: VKGL Data-share Consensus. Not counted in ClinVar's aggregate classification.

Literature cited by the submitters: PubMed 21127202 (cited by 6 submitters); PubMed 28798025 (cited by 6 submitters); PubMed 30847666 (cited by Labcorp Genetics (formerly Invitae), Labcorp and Victorian Clinical Genetics Services, Murdoch Childrens Research Institute); PubMed 32880476 (cited by 5 submitters); PubMed 33495597 (cited by Ambry Genetics); PubMed 34542152 (cited by Ambry Genetics); PubMed 25163546 (cited by Women's Health and Genetics/Laboratory Corporation of America, LabCorp); PubMed 26150528 (cited by Women's Health and Genetics/Laboratory Corporation of America, LabCorp and Victorian Clinical Genetics Services, Murdoch Childrens Research Institute); PubMed 24714796 (cited by Victorian Clinical Genetics Services, Murdoch Childrens Research Institute); PubMed 29300372 (cited by Victorian Clinical Genetics Services, Murdoch Childrens Research Institute).